The following is an entry in ClinVar:

NM_000388.4(CASR):c.1274A>G (p.Tyr425Cys)

Gene: CASR (calcium sensing receptor; plus strand). Cytogenetic location: 3q21.1.
Variant type: single nucleotide variant.
Coding change: c.1274A>G on transcript NM_000388.4 (MANE Select); coding-DNA position 1274, A replaced by G.
Protein change: p.Tyr425Cys; replaces tyrosine 425 with cysteine.
Molecular consequence: missense variant.
Genome position (GRCh38, 1-based): chr3:122,262,309, A>G. VCF-style: chr3-122262309-A-G. GRCh37 (hg19) VCF-style: chr3-121981156-A-G.
Other names: c.1274A>G, p.Tyr425Cys (NM_001178065.2); short protein forms Y425C.
Identifiers: ClinVar variation 4682176 (VCV004682176.1).

ClinVar aggregate classification (germline): Uncertain significance (1 of 4 stars; one submission).

Submission:

Athena Diagnostics
Classification: Uncertain significance. Last evaluated: 2025-01-09. Review status: criteria provided, single submitter. Criteria: Athena Diagnostics Criteria. Collection method: clinical testing. Allele origin: unknown.
Comment: Available data are insufficient to determine the clinical significance of the variant at this time. This variant has not been reported in large, multi-ethnic general populations. Polyphen and MutationTaster predict this amino acid change may be damaging to the protein.